The following is an entry in ClinVar:

NM_001244008.2(KIF1A):c.4886C>G (p.Ser1629Cys)

Gene: KIF1A (kinesin family member 1A; minus strand). Cytogenetic location: 2q37.3.
Variant type: single nucleotide variant.
Coding change: c.4886C>G on transcript NM_001244008.2 (MANE Select); coding-DNA position 4886, C replaced by G.
Protein change: p.Ser1629Cys; replaces serine 1629 with cysteine.
Molecular consequence: missense variant.
Genome position (GRCh38, 1-based): chr2:240,719,909, G>C on the plus strand (C>G on the coding strand, the complement: KIF1A is on the minus strand). VCF-style: chr2-240719909-G-C. GRCh37 (hg19) VCF-style: chr2-241659326-G-C.
Other names: c.4610C>G, p.Ser1537Cys (NM_001320705.2, NM_001379649.1); c.4637C>G, p.Ser1546Cys (NM_001330289.2); c.4685C>G, p.Ser1562Cys (NM_001330290.2, NM_001379648.1); c.4961C>G, p.Ser1654Cys (NM_001379631.1); c.4862C>G, p.Ser1621Cys (NM_001379632.1); c.4859C>G, p.Ser1620Cys (NM_001379633.1, NM_001379645.1); c.4712C>G, p.Ser1571Cys (NM_001379634.1); c.4709C>G, p.Ser1570Cys (NM_001379635.1, NM_001379646.1); and 7 more; short protein forms S1536C, S1545C, S1570C, S1546C, S1553C, S1527C, S1562C, S1566C.
Identifiers: ClinVar variation 1404263 (VCV001404263.7), dbSNP rs2125575540, ClinGen allele CA351300982.

ClinVar aggregate classification (germline): Uncertain significance. Review status: criteria provided, multiple submitters, no conflicts (2 of 4 stars). 2 submissions from 2 submitters: Uncertain significance (2). Last evaluated 2022-09-25.

Conditions:
Hereditary spastic paraplegia 30. Identifiers: Orphanet 101010, MedGen C5235139, MONDO:0012476.
Neuropathy, hereditary sensory, type 2C. Also called: Hereditary sensory and autonomic neuropathy type IIC; KIF1A-Related HSAN2 (HSAN2C). Identifiers: Orphanet 970, MedGen C3280168, MONDO:0013634, OMIM 614213.
Intellectual disability, autosomal dominant 9 (NESCAVS). Also called: NESCAV SYNDROME; KIF1A-Related Neurodevelopmental Disorder. Identifiers: Orphanet 662367, MedGen C5393830, MONDO:0013656, OMIM 614255.

gnomAD v4.1: 1 of 1,610,506 alleles (0.000062%); highest among the groups gnomAD compares: Non-Finnish European, 0.000085%; no homozygotes.

Submissions (2):

Labcorp Genetics (formerly Invitae), Labcorp
Classification: Uncertain significance for Hereditary spastic paraplegia 30; Neuropathy, hereditary sensory, type 2C; Intellectual disability, autosomal dominant 9. Last evaluated: 2022-09-25. Review status: criteria provided, single submitter. Criteria: Invitae Variant Classification Sherloc (09022015). Collection method: clinical testing. Allele origin: germline.
Comment: In summary, the available evidence is currently insufficient to determine the role of this variant in disease. Therefore, it has been classified as a Variant of Uncertain Significance. Advanced modeling of protein sequence and biophysical properties (such as structural, functional, and spatial information, amino acid conservation, physicochemical variation, residue mobility, and thermodynamic stability) performed at Invitae indicates that this missense variant is not expected to disrupt KIF1A protein function. ClinVar contains an entry for this variant (Variation ID: 1404263). This variant has not been reported in the literature in individuals affected with KIF1A-related conditions. This variant is not present in population databases (gnomAD no frequency). This sequence change replaces serine, which is neutral and polar, with cysteine, which is neutral and slightly polar, at codon 1528 of the KIF1A protein (p.Ser1528Cys).

Blueprint Genetics
Classification: Uncertain significance. Last evaluated: 2022-08-24. Review status: criteria provided, single submitter. Criteria: ACMG Guidelines, 2015. Collection method: clinical testing. Allele origin: germline.